The following is an entry in ClinVar:

NM_018075.5(ANO10):c.1030_1039del (p.Leu344fs)

Gene: ANO10 (anoctamin 10; minus strand). Cytogenetic location: 3p22.1.
Variant type: Deletion.
Coding change: c.1030_1039del on transcript NM_018075.5 (MANE Select); coding-DNA positions 1030 to 1039, 10 bases deleted (TTGGGTCTAC; older notation c.1030_1039delTTGGGTCTAC).
Protein change: p.Leu344fs; shifts the reading frame from leucine 344.
Molecular consequence: frameshift variant. On other transcripts: intron variant (1).
Genome position (GRCh38, 1-based): chr3:43,576,815-43,576,824, GTAGACCCAA deleted on the plus strand (TTGGGTCTAC on the coding strand, the reverse complement: ANO10 is on the minus strand); deleting any 10 consecutive bases within chr3:43,576,815-43,576,825 gives the same sequence; the c. name uses the placement nearest the transcript's 3' end. VCF-style (leftmost placement, unchanged base first): chr3-43576814-TGTAGACCCAA-T. GRCh37 (hg19) VCF-style: chr3-43618306-TGTAGACCCAA-T.
Other names: c.1030_1039del, p.Leu344fs (NM_001204831.3, NM_001346463.2, NM_001346464.2 and 3 more transcripts); c.832_841del, p.Leu278fs (NM_001204832.3, NM_001346466.2, NM_001346469.2); c.697_706del, p.Leu233fs (NM_001204833.3); c.593-1960_593-1951del (NM_001204834.3); short protein forms L233fs, L278fs, L344fs.
Identifiers: ClinVar variation 5016317 (VCV005016317.1).

ClinVar aggregate classification (germline): Pathogenic (1 of 4 stars; one submission).

Conditions:
Autosomal recessive spinocerebellar ataxia 10. Identifiers: Orphanet 284289, MedGen C3150998, MONDO:0013392, OMIM 613728.

Submission:

Myriad Genetics, Inc.
Classification: Pathogenic for Autosomal recessive spinocerebellar ataxia 10. Last evaluated: 2026-09-04. Review status: criteria provided, single submitter. Criteria: Myriad Autosomal Dominant, Autosomal Recessive and X-Linked Classification Criteria (2023). Collection method: clinical testing. Allele origin: unknown.
Comment: NM_018075.3(ANO10):c.1030_1039del10(L344Mfs*23) is expected to be pathogenic in the context of spinocerebellar ataxia, ANO10-related. This variant is predicted to lead to an abnormal or absent protein product due to the creation of a premature termination codon in ANO10, a gene where loss-of-function variants are known to be pathogenic. Please note: this variant was assessed in the context of healthy population screening.